The following is an entry in ClinVar:

ClinVar aggregate classification (germline): Uncertain significance (1 of 4 stars; one submission).

Conditions:
Cystic fibrosis (CF). Also called: MUCOVISCIDOSIS. Identifiers: Orphanet 586, MedGen C0010674, MONDO:0009061, OMIM 219700. Disease mechanism: loss of function.

Submission:

Institute of Human Genetics, University of Leipzig Medical Center
Classification: Uncertain significance for Cystic fibrosis. Last evaluated: 2022-09-05. Review status: criteria provided, single submitter. Criteria: ACMG Guidelines, 2015. Collection method: curation. Allele origin: unknown. Affected: yes. Observed: 1 variant allele.
Comment: The variant was classified in the context of a project re-classifying variants in the German Cystic Fibrosis Registry (Muko.e.V.). Criteria applied: PM3, PM2_SUP, PM4_SUP, PP4

NM_000492.4(CFTR):c.412_413insACT (p.Leu137_Leu138insHis)

Gene: CFTR (CF transmembrane conductance regulator; plus strand). Cytogenetic location: 7q31.2.
Variant type: Insertion.
Coding change: c.412_413insACT on transcript NM_000492.4 (MANE Select); coding-DNA positions 412 to 413, ACT inserted.
Protein change: p.Leu137_Leu138insHis.
Molecular consequence: inframe insertion.
Genome position: GRCh38 VCF-style: chr7-117531037-C-CACT. GRCh37 (hg19) VCF-style: chr7-117171091-C-CACT.
Other names: L138ins (?).
Identifiers: ClinVar variation 1706046 (VCV001706046.1), dbSNP rs397508679, ClinGen allele CA327416.